The following is an entry in ClinVar:

ClinVar aggregate classification (germline): Uncertain significance. Review status: criteria provided, single submitter (1 of 4 stars). 2 submissions from 2 submitters: Uncertain significance (1). 1 of the submissions does not count toward it. Last evaluated 2022-07-12.

Conditions:
Usher syndrome type 1 (USH1). Also called: RETINITIS PIGMENTOSA AND CONGENITAL DEAFNESS. Identifiers: Orphanet 231169, Orphanet 886, MedGen C1568247, MONDO:0010168, OMIM 276900.

gnomAD v4.1: 2 of 1,613,906 alleles (0.00012%); highest among the groups gnomAD compares: South Asian, 0.0022%; no homozygotes.

Submissions (2):

Labcorp Genetics (formerly Invitae), Labcorp
Classification: Uncertain significance. Last evaluated: 2022-07-12. Review status: criteria provided, single submitter. Criteria: Invitae Variant Classification Sherloc (09022015). Collection method: clinical testing. Allele origin: germline.
Comment: This sequence change replaces valine, which is neutral and non-polar, with leucine, which is neutral and non-polar, at codon 1515 of the CDH23 protein (p.Val1515Leu). This variant is present in population databases (rs758050912, gnomAD 0.003%). This variant has not been reported in the literature in individuals affected with CDH23-related conditions. ClinVar contains an entry for this variant (Variation ID: 989834). Algorithms developed to predict the effect of missense changes on protein structure and function are either unavailable or do not agree on the potential impact of this missense change (SIFT: "Deleterious"; PolyPhen-2: "Not Available"; Align-GVGD: "Class C0"). In summary, the available evidence is currently insufficient to determine the role of this variant in disease. Therefore, it has been classified as a Variant of Uncertain Significance.

Natera, Inc.
Classification: Uncertain significance for Usher syndrome type 1. Last evaluated: 2020-08-17. Review status: no assertion criteria provided. Collection method: clinical testing. Allele origin: germline. Not counted in ClinVar's aggregate classification.

NM_022124.6(CDH23):c.4543G>T (p.Val1515Leu)

Gene: CDH23 (cadherin related 23; plus strand). Cytogenetic location: 10q22.1.
Variant type: single nucleotide variant.
Coding change: c.4543G>T on transcript NM_022124.6 (MANE Select); coding-DNA position 4543, G replaced by T.
Protein change: p.Val1515Leu; replaces valine 1515 with leucine.
Molecular consequence: missense variant.
Genome position (GRCh38, 1-based): chr10:71,740,876, G>T. VCF-style: chr10-71740876-G-T. GRCh37 (hg19) VCF-style: chr10-73500633-G-T.
Other names: short protein forms V1515L.
Identifiers: ClinVar variation 989834 (VCV000989834.3), dbSNP rs758050912, ClinGen allele CA5545089.